The following is an entry in ClinVar:

NM_004336.5(BUB1):c.841G>A (p.Ala281Thr)

Gene: BUB1 (BUB1 mitotic checkpoint serine/threonine kinase; minus strand). Cytogenetic location: 2q13.
Variant type: single nucleotide variant.
Coding change: c.841G>A on transcript NM_004336.5 (MANE Select); coding-DNA position 841, G replaced by A.
Protein change: p.Ala281Thr; replaces alanine 281 with threonine.
Molecular consequence: missense variant.
Genome position (GRCh38, 1-based): chr2:110,666,379, C>T on the plus strand (G>A on the coding strand, the complement: BUB1 is on the minus strand). VCF-style: chr2-110666379-C-T. GRCh37 (hg19) VCF-style: chr2-111423956-C-T.
Other names: c.781G>A, p.Ala261Thr (NM_001278616.2); c.841G>A, p.Ala281Thr (NM_001278617.2); short protein forms A261T, A281T.
Identifiers: ClinVar variation 2565808 (VCV002565808.3), dbSNP rs1207313725, ClinGen allele CA348216858.
Genomic context (GRCh38, chr2:110,666,379, plus strand): 5'-GCAACTTCTTATGAAGTTCATCCATTTTCTGTTTTAATAGCTGTTCTTCAAAAGCATTTG[C>T]TTCTTTCCTTTTCATATAATGTCTGTCTTCATTTACTTTAGGAAAGATAGAAATGGTTTG-3'
Protein context (NP_004327.1, residues 271-291): EDRHYMKRKE[Ala281Thr]NAFEEQLLKQ

ClinVar aggregate classification (germline): Uncertain significance. Review status: criteria provided, multiple submitters, no conflicts (2 of 4 stars). 2 submissions from 2 submitters: Uncertain significance (2). Last evaluated 2025-03-02.

Allele frequency attached by ClinVar (database versions not stated): gnomAD exomes below 0.00001.
gnomAD v4.1: 2 of 1,514,112 alleles (0.00013%); highest among the groups gnomAD compares: East Asian, 0.0024%; no homozygotes.

Submissions (2):

Labcorp Genetics (formerly Invitae), Labcorp
Classification: Uncertain significance. Last evaluated: 2025-03-02. Review status: criteria provided, single submitter. Criteria: Invitae Variant Classification Sherloc (09022015). Collection method: clinical testing. Allele origin: germline.
Comment: This sequence change replaces alanine, which is neutral and non-polar, with threonine, which is neutral and polar, at codon 281 of the BUB1 protein (p.Ala281Thr). This variant is not present in population databases (gnomAD no frequency). This variant has not been reported in the literature in individuals affected with BUB1-related conditions. ClinVar contains an entry for this variant (Variation ID: 2565808). Experimental studies and prediction algorithms are not available or were not evaluated, and the functional significance of this variant is currently unknown. In summary, the available evidence is currently insufficient to determine the role of this variant in disease. Therefore, it has been classified as a Variant of Uncertain Significance.

Ambry Genetics
Classification: Uncertain significance. Last evaluated: 2023-05-08. Review status: criteria provided, single submitter. Criteria: Ambry Variant Classification Scheme 2023. Collection method: clinical testing. Allele origin: germline.
Comment: The p.A281T variant (also known as c.841G>A), located in coding exon 9 of the BUB1 gene, results from a G to A substitution at nucleotide position 841. The alanine at codon 281 is replaced by threonine, an amino acid with similar properties. This amino acid position is conserved. In addition, this alteration is predicted to be tolerated by in silico analysis. Since supporting evidence is limited at this time, the clinical significance of this alteration remains unclear.